The following is an entry in ClinVar:

ClinVar aggregate classification (germline): Uncertain significance (1 of 4 stars; one submission).

Submission:

Ambry Genetics
Classification: Uncertain significance. Last evaluated: 2021-09-22. Review status: criteria provided, single submitter. Criteria: Ambry Variant Classification Scheme 2023. Collection method: clinical testing. Allele origin: germline.
Comment: The p.S1140Y variant (also known as c.3419C>A), located in coding exon 3 of the MLH3 gene, results from a C to A substitution at nucleotide position 3419. The serine at codon 1140 is replaced by tyrosine, an amino acid with dissimilar properties. This amino acid position is conserved. In addition, the in silico prediction for this alteration is inconclusive. Since supporting evidence is limited at this time, the clinical significance of this alteration remains unclear.

NM_001040108.2(MLH3):c.3419C>A (p.Ser1140Tyr)

Gene: MLH3 (mutL homolog 3; minus strand). Cytogenetic location: 14q24.3.
Variant type: single nucleotide variant.
Coding change: c.3419C>A on transcript NM_001040108.2 (MANE Select); coding-DNA position 3419, C replaced by A.
Protein change: p.Ser1140Tyr; replaces serine 1140 with tyrosine.
Molecular consequence: missense variant.
Genome position (GRCh38, 1-based): chr14:75,041,661, G>T on the plus strand (C>A on the coding strand, the complement: MLH3 is on the minus strand). VCF-style: chr14-75041661-G-T. GRCh37 (hg19) VCF-style: chr14-75508364-G-T.
Other names: c.3419C>A, p.Ser1140Tyr (NM_014381.3); short protein forms S1140Y.
Identifiers: ClinVar variation 1731236 (VCV001731236.2), dbSNP rs2139494201, ClinGen allele CA390430831.